The following is an entry in ClinVar:

ClinVar aggregate classification (germline): Uncertain significance (1 of 4 stars; one submission).

Conditions:
Familial Mediterranean fever (FMF). Also called: POLYSEROSITIS, FAMILIAL PAROXYSMAL; POLYSEROSITIS, RECURRENT; Periodic peritonitis; Benign paroxysmal peritonitis. Identifiers: Orphanet 342, MedGen C0031069, MONDO:0018088, OMIM 249100. Disease mechanism: gain of function.

Submission:

Labcorp Genetics (formerly Invitae), Labcorp
Classification: Uncertain significance for Familial Mediterranean fever. Last evaluated: 2016-12-12. Review status: criteria provided, single submitter. Criteria: Invitae Variant Classification Sherloc (09022015). Collection method: clinical testing. Allele origin: germline.
Comment: This sequence change falls in intron 5 of the MEFV gene. It does not directly change the encoded amino acid sequence of the MEFV protein, but it affects a nucleotide within the consensus splice site of the intron. This variant is not present in population databases (ExAC no frequency) and has not been reported in the literature in individuals with a MEFV-related disease. Nucleotide substitutions within the consensus splice site are relatively common causes of aberrant splicing (PMID: 17576681, 9536098) but according to multiple splice site algorithms this particular variant is not predicted to significantly affect splicing. These predictions have not been confirmed by published functional studies. In summary, this is a novel intronic change with uncertain impact on splicing. It has been classified as a Variant of Uncertain Significance.

Literature cited by the submitters: PubMed 17576681; PubMed 9536098.

NM_000243.3(MEFV):c.1587+5G>T

Gene: MEFV (MEFV innate immunity regulator, pyrin; minus strand). Cytogenetic location: 16p13.3.
Variant type: single nucleotide variant.
Coding change: c.1587+5G>T on transcript NM_000243.3 (MANE Select); 5 bases into the intron after coding-DNA position 1587, G replaced by T.
Molecular consequence: intron variant.
Genome position (GRCh38, 1-based): chr16:3,247,011, C>A on the plus strand (G>T on the coding strand, the complement: MEFV is on the minus strand). VCF-style: chr16-3247011-C-A. GRCh37 (hg19) VCF-style: chr16-3297011-C-A.
Other names: c.954+5G>T (NM_001198536.2).
Identifiers: ClinVar variation 457997 (VCV000457997.4), dbSNP rs1555458661, ClinGen allele CA658656507.